The following is an entry in ClinVar:

NM_002471.4(MYH6):c.341T>C (p.Ile114Thr)

Genes: MYH6 (myosin heavy chain 6; minus strand), LOC114827851 (VISTA enhancer hs2155; plus strand). Cytogenetic location: 14q11.2.
Variant type: single nucleotide variant.
Coding change: c.341T>C on transcript NM_002471.4 (MANE Select); coding-DNA position 341, T replaced by C.
Protein change: p.Ile114Thr; replaces isoleucine 114 with threonine.
Molecular consequence: missense variant.
Genome position (GRCh38, 1-based): chr14:23,405,631, A>G on the plus strand (T>C on the coding strand, the complement: MYH6 is on the minus strand). VCF-style: chr14-23405631-A-G. GRCh37 (hg19) VCF-style: chr14-23874840-A-G.
Other names: short protein forms I114T.
Identifiers: ClinVar variation 2447213 (VCV002447213.5), dbSNP rs899143706, ClinGen allele CA257799121.
Genomic context (GRCh38, chr14:23,405,631, plus strand): 5'-TTATTTAGGCCTCCACGCAGCACAGGAAGCCTCTGCAGTGTGCAGGAGCCACTCACATAT[A>G]TCATCCAGGCCGCGTAGCGCTCCTTGAGGTTGAAAAGCACCGCGGGCTCGTGCAGGAAGG-3'
Protein context (NP_002462.2, residues 104-124): NLKERYAAWM[Ile114Thr]YTYSGLFCVT

ClinVar aggregate classification (germline): Uncertain significance. Review status: criteria provided, multiple submitters, no conflicts (2 of 4 stars). 3 submissions from 3 submitters: Uncertain significance (2). 1 of the submissions does not count toward it. Last evaluated 2025-05-08.

Conditions:
MYH6-related disorder. Also called: MYH6-Related Disorders; MYH6-related condition.
Cardiovascular phenotype. Identifiers: MedGen CN230736.

Allele frequency attached by ClinVar (database versions not stated): gnomAD exomes below 0.00001; TOPMed below 0.00001; gnomAD 0.00001.
gnomAD v4.1: 2 of 1,614,016 alleles (0.00012%); highest among the groups gnomAD compares: Non-Finnish European, 0.00017%; no homozygotes.

Submissions (3):

GeneDx
Classification: Uncertain significance. Last evaluated: 2025-05-08. Review status: criteria provided, single submitter. Criteria: GeneDx Variant Classification Process June 2021. Collection method: clinical testing. Allele origin: germline. Affected: yes.
Comment: Not observed at significant frequency in large population cohorts (gnomAD); In silico analysis supports that this missense variant has a deleterious effect on protein structure/function; Has not been previously published as pathogenic or benign to our knowledge

Ambry Genetics
Classification: Uncertain significance for Cardiovascular phenotype. Last evaluated: 2023-01-30. Review status: criteria provided, single submitter. Criteria: Ambry Variant Classification Scheme 2023. Collection method: clinical testing. Allele origin: germline.
Comment: The p.I114T variant (also known as c.341T>C), located in coding exon 2 of the MYH6 gene, results from a T to C substitution at nucleotide position 341. The isoleucine at codon 114 is replaced by threonine, an amino acid with similar properties. This amino acid position is conserved. In addition, this alteration is predicted to be deleterious by in silico analysis. Since supporting evidence is limited at this time, the clinical significance of this alteration remains unclear.

PreventionGenetics, part of Exact Sciences
Classification: Uncertain significance for MYH6-related condition. Last evaluated: 2023-10-31. Review status: no assertion criteria provided. Collection method: clinical testing. Allele origin: germline. Not counted in ClinVar's aggregate classification.
Comment: The MYH6 c.341T>C variant is predicted to result in the amino acid substitution p.Ile114Thr. To our knowledge, this variant has not been reported in the literature. This variant is reported in 0.00088% of alleles in individuals of European (Non-Finnish) descent in gnomAD. At this time, the clinical significance of this variant is uncertain due to the absence of conclusive functional and genetic evidence.